The following is an entry in ClinVar:

ClinVar aggregate classification (germline): Uncertain significance (1 of 4 stars; one submission).

Conditions:
FGFR2-related craniosynostosis. Identifiers: MedGen CN231480.

Submission:

Labcorp Genetics (formerly Invitae), Labcorp
Classification: Uncertain significance for FGFR2-related craniosynostosis. Last evaluated: 2023-07-14. Review status: criteria provided, single submitter. Criteria: Invitae Variant Classification Sherloc (09022015). Collection method: clinical testing. Allele origin: germline.
Comment: This sequence change replaces valine, which is neutral and non-polar, with isoleucine, which is neutral and non-polar, at codon 317 of the FGFR2 protein (p.Val317Ile). In summary, the available evidence is currently insufficient to determine the role of this variant in disease. Therefore, it has been classified as a Variant of Uncertain Significance. Advanced modeling of protein sequence and biophysical properties (such as structural, functional, and spatial information, amino acid conservation, physicochemical variation, residue mobility, and thermodynamic stability) performed at Invitae indicates that this missense variant is not expected to disrupt FGFR2 protein function. This variant has not been reported in the literature in individuals affected with FGFR2-related conditions. This variant is not present in population databases (gnomAD no frequency).

NM_000141.5(FGFR2):c.949G>A (p.Val317Ile)

Gene: FGFR2 (fibroblast growth factor receptor 2; minus strand). Cytogenetic location: 10q26.13.
Variant type: single nucleotide variant.
Coding change: c.949G>A on transcript NM_000141.5 (MANE Select); coding-DNA position 949, G replaced by A.
Protein change: p.Val317Ile; replaces valine 317 with isoleucine.
Molecular consequence: missense variant. On other transcripts: non-coding transcript variant (1), intron variant (5).
Genome position (GRCh38, 1-based): chr10:121,517,454, C>T on the plus strand (G>A on the coding strand, the complement: FGFR2 is on the minus strand). VCF-style: chr10-121517454-C-T. GRCh37 (hg19) VCF-style: chr10-123276968-C-T.
Other names: c.682G>A, p.Val228Ile (NM_001144915.2, NM_023029.3); c.604G>A, p.Val202Ile (NM_001144916.2, NM_001144918.2); c.265G>A, p.Val89Ile (NM_001320654.2); c.949G>A, p.Val317Ile (NM_001320658.2); c.749-2135G>A (NM_001144914.1); c.939+2525G>A (NM_001144917.2); c.1087+1228G>A (NM_022970.4, NM_001144913.1); c.820+1228G>A (NM_001144919.2); short protein forms V89I, V202I, V228I, V317I.
Identifiers: ClinVar variation 2743403 (VCV002743403.3), dbSNP rs2134260399, ClinGen allele CA378328568.
Genomic context (GRCh38, chr10:121,517,454, plus strand): 5'-CGTCCTCAAAAGTTACATTCCGAATATAGAGAACCTCAATCTCTTTGTCCGTGGTGTTAA[C>T]ACCGGCGGCCTAGAAAACAAGGGAAGCAAAAGAAAAGGCTAGACGACACAGGAATGATTG-3'
Protein context (NP_000132.3, residues 307-327): PYLKVLKAAG[Val317Ile]NTTDKEIEVL